The following is an entry in ClinVar:

ClinVar aggregate classification (germline): Uncertain significance. Review status: criteria provided, multiple submitters, no conflicts (2 of 4 stars). 3 submissions from 3 submitters: Uncertain significance (3). Last evaluated 2024-09-11.

Conditions:
Myoglobinuria, acute recurrent, autosomal recessive. Also called: Myoglobinuria, recurrent, autosomal recessive; MYOGLOBINURIA, FAMILIAL PAROXYSMAL PARALYTIC; RHABDOMYOLYSIS, ACUTE RECURRENT. Identifiers: Orphanet 99845, MedGen C1849386, MONDO:0009992, OMIM 268200.

Allele frequency attached by ClinVar (database versions not stated): ExAC 0.00005; gnomAD exomes 0.00007 and 0.00013; TOPMed 0.00008; gnomAD 0.00010 and 0.00011; 1000 Genomes Project 0.00020; ESP Exome Variant Server 0.00023; 1000 Genomes Project 30x 0.00031.
gnomAD v4.1: 199 of 1,614,070 alleles (0.012%); highest among the groups gnomAD compares: South Asian, 0.02%; no homozygotes.

Submissions (3):

GeneDx
Classification: Uncertain significance. Last evaluated: 2024-09-11. Review status: criteria provided, single submitter. Criteria: GeneDx Variant Classification Process June 2021. Collection method: clinical testing. Allele origin: germline. Affected: yes.
Comment: Not observed at significant frequency in large population cohorts (gnomAD); In silico analysis supports that this missense variant has a deleterious effect on protein structure/function; Has not been previously published as pathogenic or benign to our knowledge

Fulgent Genetics
Classification: Uncertain significance for Myoglobinuria, acute recurrent, autosomal recessive. Last evaluated: 2024-04-19. Review status: criteria provided, single submitter. Criteria: ACMG Guidelines, 2015. Collection method: clinical testing. Allele origin: germline.

Labcorp Genetics (formerly Invitae), Labcorp
Classification: Uncertain significance. Last evaluated: 2022-10-19. Review status: criteria provided, single submitter. Criteria: Invitae Variant Classification Sherloc (09022015). Collection method: clinical testing. Allele origin: germline.
Comment: This sequence change replaces arginine, which is basic and polar, with glutamine, which is neutral and polar, at codon 388 of the LPIN1 protein (p.Arg388Gln). This variant is present in population databases (rs115521500, gnomAD 0.01%). This variant has not been reported in the literature in individuals affected with LPIN1-related conditions. ClinVar contains an entry for this variant (Variation ID: 1304589). Advanced modeling of protein sequence and biophysical properties (such as structural, functional, and spatial information, amino acid conservation, physicochemical variation, residue mobility, and thermodynamic stability) performed at Invitae indicates that this missense variant is not expected to disrupt LPIN1 protein function. In summary, the available evidence is currently insufficient to determine the role of this variant in disease. Therefore, it has been classified as a Variant of Uncertain Significance.

NM_001349206.2(LPIN1):c.1271G>A (p.Arg424Gln)

Gene: LPIN1 (lipin 1; plus strand). Cytogenetic location: 2p25.1.
Variant type: single nucleotide variant.
Coding change: c.1271G>A on transcript NM_001349206.2 (MANE Select); coding-DNA position 1271, G replaced by A.
Protein change: p.Arg424Gln; replaces arginine 424 with glutamine.
Molecular consequence: missense variant. On other transcripts: non-coding transcript variant (1).
Genome position (GRCh38, 1-based): chr2:11,783,835, G>A. VCF-style: chr2-11783835-G-A. GRCh37 (hg19) VCF-style: chr2-11923961-G-A.
Other names: c.1181G>A, p.Arg394Gln (NM_001261427.3); c.1418G>A, p.Arg473Gln (NM_001261428.3); c.1163G>A, p.Arg388Gln (NM_001349199.2, NM_001349200.2, NM_001349201.2 and 1 more transcripts); c.1268G>A, p.Arg423Gln (NM_001349202.2, NM_001349203.2); c.1271G>A, p.Arg424Gln (NM_001349204.2, NM_001349205.2); c.1361G>A, p.Arg454Gln (NM_001349207.2); c.1310G>A, p.Arg437Gln (NM_001349208.2); short protein forms R388Q, R394Q, R423Q, R424Q, R437Q, R454Q, R473Q.
Identifiers: ClinVar variation 1304589 (VCV001304589.6), dbSNP rs115521500, ClinGen allele CA1533658.
Genomic context (GRCh38, chr2:11,783,835, plus strand): 5'-ATGAGCTCATTTCTAGAAGAGTGGTTTTCTGACTTGAGCCATTTGCCGTTTTAGATAAAC[G>A]AAGCCGACATCTTGGTGCTGACGGCGTCTACTTGGATGACCTCACAGACATGGATCCTGA-3'
Protein context (NP_001336135.1, residues 414-434): TDSPSRKRDK[Arg424Gln]SRHLGADGVY